The following is an entry in ClinVar:

NM_001127464.1:c.5816T>C

Gene: ZNF469 (zinc finger protein 469; plus strand).
Variant type: single nucleotide variant.
Identifiers: ClinVar variation 4615530 (VCV004615530.1).

ClinVar aggregate classification (germline): Uncertain significance (1 of 4 stars; one submission).

Conditions:
Cardiovascular phenotype. Identifiers: MedGen CN230736.

Submission:

Ambry Genetics
Classification: Uncertain significance for Cardiovascular phenotype. Last evaluated: 2025-12-02. Review status: criteria provided, single submitter. Criteria: Ambry Variant Classification Scheme 2023. Collection method: clinical testing. Allele origin: germline.
Comment: The p.L1939P variant (also known as c.5816T>C), located in coding exon 2 of the ZNF469 gene, results from a T to C substitution at nucleotide position 5816. The leucine at codon 1939 is replaced by proline, an amino acid with similar properties. This amino acid position is conserved. In addition, this alteration is predicted to be tolerated by in silico analysis. Based on the available evidence, the clinical significance of this variant remains unclear.